The following is an entry in ClinVar:

ClinVar aggregate classification (germline): Uncertain significance (1 of 4 stars; one submission).

gnomAD v4.1: 4 of 1,614,032 alleles (0.00025%); highest among the groups gnomAD compares: Admixed American, 0.0067%; no homozygotes.

Submission:

Labcorp Genetics (formerly Invitae), Labcorp
Classification: Uncertain significance. Last evaluated: 2024-08-31. Review status: criteria provided, single submitter. Criteria: Invitae Variant Classification Sherloc (09022015). Collection method: clinical testing. Allele origin: germline.
Comment: This sequence change replaces aspartic acid, which is acidic and polar, with valine, which is neutral and non-polar, at codon 40 of the TRMU protein (p.Asp40Val). This variant is not present in population databases (gnomAD no frequency). This variant has not been reported in the literature in individuals affected with TRMU-related conditions. Invitae Evidence Modeling of protein sequence and biophysical properties (such as structural, functional, and spatial information, amino acid conservation, physicochemical variation, residue mobility, and thermodynamic stability) indicates that this missense variant is expected to disrupt TRMU protein function with a positive predictive value of 80%. In summary, the available evidence is currently insufficient to determine the role of this variant in disease. Therefore, it has been classified as a Variant of Uncertain Significance.

NM_018006.5(TRMU):c.119A>T (p.Asp40Val)

Gene: TRMU (tRNA mitochondrial 2-thiouridylase; plus strand). Cytogenetic location: 22q13.31.
Variant type: single nucleotide variant.
Coding change: c.119A>T on transcript NM_018006.5 (MANE Select); coding-DNA position 119, A replaced by T.
Protein change: p.Asp40Val; replaces aspartic acid 40 with valine.
Molecular consequence: missense variant. On other transcripts: 5 prime UTR variant (3), non-coding transcript variant (2).
Genome position (GRCh38, 1-based): chr22:46,337,815, A>T. VCF-style: chr22-46337815-A-T. GRCh37 (hg19) VCF-style: chr22-46733712-A-T.
Other names: c.-117A>T (NM_001282782.2); c.-136A>T (NM_001282783.2, NM_001282784.2); c.119A>T, p.Asp40Val (NM_001282785.2); short protein forms D40V.
Identifiers: ClinVar variation 3708259 (VCV003708259.2).